The following is an entry in ClinVar:

NM_172362.3(KCNH1):c.863G>A (p.Arg288His)

Gene: KCNH1 (potassium voltage-gated channel subfamily H member 1; minus strand). Cytogenetic location: 1q32.2.
Variant type: single nucleotide variant.
Coding change: c.863G>A on transcript NM_172362.3 (MANE Select); coding-DNA position 863, G replaced by A.
Protein change: p.Arg288His; replaces arginine 288 with histidine.
Molecular consequence: missense variant.
Genome position (GRCh38, 1-based): chr1:211,018,952, C>T on the plus strand (G>A on the coding strand, the complement: KCNH1 is on the minus strand). VCF-style: chr1-211018952-C-T. GRCh37 (hg19) VCF-style: chr1-211192294-C-T.
Other names: c.863G>A, p.Arg288His (NM_002238.4); short protein forms R288H.
Identifiers: ClinVar variation 1308467 (VCV001308467.7), dbSNP rs763802122, ClinGen allele CA1379958.

ClinVar aggregate classification (germline): Conflicting classifications of pathogenicity. Review status: criteria provided, conflicting classifications (1 of 4 stars). 3 submissions from 3 submitters: Uncertain significance (2); Likely benign (1). Last evaluated 2025-10-17.

Conditions:
Inborn genetic diseases. Identifiers: MedGen C0950123, MeSH D030342.

Allele frequency attached by ClinVar (database versions not stated): TOPMed 0.00001; ExAC 0.00002; gnomAD 0.00002; gnomAD exomes 0.00002.
gnomAD v4.1: 15 of 1,613,864 alleles (0.00093%); highest among the groups gnomAD compares: East Asian, 0.0022%; no homozygotes.

Submissions (3):

Ambry Genetics
Classification: Likely benign for Inborn genetic diseases. Last evaluated: 2025-10-17. Review status: criteria provided, single submitter. Criteria: Ambry Variant Classification Scheme 2023. Collection method: clinical testing. Allele origin: germline.

Labcorp Genetics (formerly Invitae), Labcorp
Classification: Uncertain significance. Last evaluated: 2023-04-26. Review status: criteria provided, single submitter. Criteria: Invitae Variant Classification Sherloc (09022015). Collection method: clinical testing. Allele origin: germline.
Comment: This sequence change replaces arginine, which is basic and polar, with histidine, which is basic and polar, at codon 288 of the KCNH1 protein (p.Arg288His). This variant is present in population databases (rs763802122, gnomAD 0.005%). This variant has not been reported in the literature in individuals affected with KCNH1-related conditions. ClinVar contains an entry for this variant (Variation ID: 1308467). Advanced modeling of protein sequence and biophysical properties (such as structural, functional, and spatial information, amino acid conservation, physicochemical variation, residue mobility, and thermodynamic stability) performed at Invitae indicates that this missense variant is expected to disrupt KCNH1 protein function. In summary, the available evidence is currently insufficient to determine the role of this variant in disease. Therefore, it has been classified as a Variant of Uncertain Significance.

GeneDx
Classification: Uncertain significance. Last evaluated: 2019-04-11. Review status: criteria provided, single submitter. Criteria: GeneDx Variant Classification Process June 2021. Collection method: clinical testing. Allele origin: germline. Affected: yes.
Comment: In silico analysis, which includes protein predictors and evolutionary conservation, supports a deleterious effect; Has not been previously published as pathogenic or benign to our knowledge